The following is an entry in ClinVar:

ClinVar aggregate classification (germline): Pathogenic (1 of 4 stars; one submission).

Conditions:
Hermansky-Pudlak syndrome 2 (HPS2). Also called: Platelet defects and oculocutaneous albinism. Identifiers: Orphanet 183678, Orphanet 79430, MedGen C1842362, MONDO:0011997, OMIM 608233.

Submission:

Labcorp Genetics (formerly Invitae), Labcorp
Classification: Pathogenic for Hermansky-Pudlak syndrome 2. Last evaluated: 2022-03-19. Review status: criteria provided, single submitter. Criteria: Invitae Variant Classification Sherloc (09022015). Collection method: clinical testing. Allele origin: germline.
Comment: This variant is a gross deletion of the genomic region encompassing exon(s) 15-22 of the AP3B1 gene. This variant would be expected to be in-frame, preserving the integrity of the reading frame. This variant has not been reported in the literature in individuals affected with AP3B1-related conditions. This variant disrupts a region of the AP3B1 protein in which other variant(s) (Deletion (Exon 15)) have been determined to be pathogenic (PMID: 16537806). This suggests that this is a clinically significant region of the protein, and that variants that disrupt it are likely to be disease-causing. For these reasons, this variant has been classified as Pathogenic.

Literature cited by the submitters: PubMed 16537806.

NC_000005.10:g.(?_78089373)_(78141339_?)del

Gene: AP3B1 (adaptor related protein complex 3 subunit beta 1; minus strand). Cytogenetic location: 5q14.1.
Variant type: Deletion.
Identifiers: ClinVar variation 833024 (VCV000833024.7).